The following is an entry in ClinVar:

NM_198525.3(KIF7):c.2702G>C (p.Ser901Thr)

Gene: KIF7 (kinesin family member 7; minus strand). Cytogenetic location: 15q26.1.
Variant type: single nucleotide variant.
Coding change: c.2702G>C on transcript NM_198525.3 (MANE Select); coding-DNA position 2702, G replaced by C.
Protein change: p.Ser901Thr; replaces serine 901 with threonine.
Molecular consequence: missense variant.
Genome position (GRCh38, 1-based): chr15:89,633,157, C>G on the plus strand (G>C on the coding strand, the complement: KIF7 is on the minus strand). VCF-style: chr15-89633157-C-G. GRCh37 (hg19) VCF-style: chr15-90176388-C-G.
Other names: short protein forms S901T.
Identifiers: ClinVar variation 1478219 (VCV001478219.3), dbSNP rs2142001211, ClinGen allele CA393758484.
Genomic context (GRCh38, chr15:89,633,157, plus strand): 5'-CAGCCCCCAGGGGAGCCCTGGGTGCGGACACAGCCTGGCCCCACCTGCTGCTGTTCCAGG[C>G]TGACCACAGAGCCGTTGCTGCCACTGCGCCTCTTCCTCTGGAATGCCGCGATCTCTTCCG-3'
Protein context (NP_940927.2, residues 891-911): RRSGSNGSVV[Ser901Thr]LEQQQKIEEQ

ClinVar aggregate classification (germline): Uncertain significance (1 of 4 stars; one submission).

Conditions:
Acrocallosal syndrome (ACLS). Also called: HALLUX DUPLICATION, POSTAXIAL POLYDACTYLY, AND ABSENCE OF CORPUS CALLOSUM; Schinzel syndrome 1; Absence of corpus callosum with unusual facial appearance, mental deficiency, duplication of the halluces and polydactyly. Identifiers: Orphanet 36, MedGen C0796147, MONDO:0008708, OMIM 200990.

Allele frequency attached by ClinVar (database versions not stated): gnomAD exomes below 0.00001.

Submission:

Labcorp Genetics (formerly Invitae), Labcorp
Classification: Uncertain significance for Acrocallosal syndrome. Last evaluated: 2021-07-27. Review status: criteria provided, single submitter. Criteria: Invitae Variant Classification Sherloc (09022015). Collection method: clinical testing. Allele origin: germline.
Comment: This sequence change replaces serine with threonine at codon 901 of the KIF7 protein (p.Ser901Thr). The serine residue is highly conserved and there is a small physicochemical difference between serine and threonine. This variant is not present in population databases (ExAC no frequency). This variant has not been reported in the literature in individuals affected with KIF7-related conditions. Algorithms developed to predict the effect of missense changes on protein structure and function are either unavailable or do not agree on the potential impact of this missense change (SIFT: "Deleterious"; PolyPhen-2: "Possibly Damaging"; Align-GVGD: "Class C0"). In summary, the available evidence is currently insufficient to determine the role of this variant in disease. Therefore, it has been classified as a Variant of Uncertain Significance.